The following is an entry in ClinVar:

ClinVar aggregate classification (germline): Benign/Likely benign. Review status: criteria provided, multiple submitters, no conflicts (2 of 4 stars). 3 submissions from 3 submitters: Benign (1); Likely benign (1). 1 of the submissions does not count toward it. Last evaluated 2026-01-28.

Conditions:
TTLL5-related disorder. Also called: TTLL5-related condition.

Allele frequency attached by ClinVar (database versions not stated): ESP Exome Variant Server 0.00015; 1000 Genomes Project 30x 0.00016; 1000 Genomes Project 0.00020; gnomAD 0.00076 and 0.00083; TOPMed 0.00086.
gnomAD v4.1: 237 of 1,599,326 alleles (0.015%); highest among the groups gnomAD compares: African/African-American, 0.24%; 1 homozygote.

Submissions (3):

Labcorp Genetics (formerly Invitae), Labcorp
Classification: Benign. Last evaluated: 2026-01-28. Review status: criteria provided, single submitter. Criteria: Invitae Variant Classification Sherloc (09022015). Collection method: clinical testing. Allele origin: germline.

Blueprint Genetics
Classification: Likely benign. Last evaluated: 2023-05-19. Review status: criteria provided, single submitter. Criteria: ACMG Guidelines, 2015. Collection method: clinical testing. Allele origin: germline.

PreventionGenetics, part of Exact Sciences
Classification: Likely benign for TTLL5-related condition. Last evaluated: 2019-07-26. Review status: no assertion criteria provided. Collection method: clinical testing. Allele origin: germline. Not counted in ClinVar's aggregate classification.
Comment: This variant is classified as likely benign based on ACMG/AMP sequence variant interpretation guidelines (Richards et al. 2015 PMID: 25741868, with internal and published modifications).

NM_015072.5(TTLL5):c.1709-9C>T

Gene: TTLL5 (tubulin tyrosine ligase like 5; plus strand). Cytogenetic location: 14q24.3.
Variant type: single nucleotide variant.
Coding change: c.1709-9C>T on transcript NM_015072.5 (MANE Select); 9 bases into the intron before coding-DNA position 1709, C replaced by T.
Molecular consequence: intron variant.
Genome position (GRCh38, 1-based): chr14:75,766,053, C>T. VCF-style: chr14-75766053-C-T. GRCh37 (hg19) VCF-style: chr14-76232396-C-T.
Other names: c.1709-9C>T (NM_015072.4).
Identifiers: ClinVar variation 1169762 (VCV001169762.12), dbSNP rs373032875, ClinGen allele CA7279515.